The following is an entry in ClinVar:

ClinVar aggregate classification (germline): Uncertain significance (1 of 4 stars; one submission).

Submission:

Institute for Human Genetics, University Hospital Essen
Classification: Uncertain significance. Last evaluated: 2025-11-27. Review status: criteria provided, single submitter. Criteria: Submitter's publication. Collection method: clinical testing. Allele origin: inherited. Inheritance: Autosomal unknown. Affected: yes. Observed: 1 variant allele, 1 compound heterozygote.
Comment: PM1_supp (criteria rationale detailed in Leitão et al. Nature Genetics 2026)

NR_199791.1(RNU2-2):n.73C>T

Genes: RNU2-2 (RNA, U2 small nuclear 2; minus strand), WDR74 (WD repeat domain 74; minus strand). Cytogenetic location: 11q12.3.
Variant type: single nucleotide variant.
Molecular consequence: non-coding transcript variant (on NR_199791.1). On other transcripts: 5 prime UTR variant (1).
Genome position: GRCh38 VCF-style: chr11-62841737-G-A. GRCh37 (hg19) VCF-style: chr11-62609209-G-A.
Other names: c.-466C>T (NM_001369451.1).
Identifiers: ClinVar variation 4540493 (VCV004540493.1).